The following is an entry in ClinVar:

ClinVar aggregate classification (germline): Uncertain significance. Review status: criteria provided, multiple submitters, no conflicts (2 of 4 stars). 3 submissions from 3 submitters: Uncertain significance (3). Last evaluated 2026-01-19.

Conditions:
AEBP1-related disorder. Also called: AEBP1-related condition.

Allele frequency attached by ClinVar (database versions not stated): TOPMed 0.00005; ExAC 0.00001; gnomAD exomes 0.00001; gnomAD 0.00002.
gnomAD v4.1: 15 of 1,613,666 alleles (0.00093%); highest among the groups gnomAD compares: Admixed American, 0.0033%; no homozygotes.

Submissions (3):

Women's Health and Genetics/Laboratory Corporation of America, LabCorp
Classification: Uncertain significance. Last evaluated: 2026-01-19. Review status: criteria provided, single submitter. Criteria: LabCorp Variant Classification Summary - May 2015. Collection method: clinical testing. Allele origin: germline.
Comment: Variant summary: AEBP1 c.1943A>T (p.Asp648Val) results in a non-conservative amino acid change in the encoded protein sequence. Algorithms developed to predict the effect of missense changes on protein structure and function all suggest that this variant is likely to be disruptive. The variant allele was found at a frequency of 8e-06 in 250910 control chromosomes. The available data on variant occurrences in the general population are insufficient to allow any conclusion about variant significance. To our knowledge, no occurrence of c.1943A>T in individuals affected with AEBP1-related conditions and no experimental evidence demonstrating its impact on protein function have been reported. ClinVar contains an entry for this variant (Variation ID: 2059970). Based on the evidence outlined above, the variant was classified as uncertain significance.

PreventionGenetics, part of Exact Sciences
Classification: Uncertain significance for AEBP1-related condition. Last evaluated: 2025-03-24. Review status: criteria provided, single submitter. Criteria: ACMG Guidelines, 2015. Collection method: clinical testing. Allele origin: germline.
Comment: The AEBP1 c.1943A>T variant is predicted to result in the amino acid substitution p.Asp648Val. To our knowledge, this variant has not been reported in the literature. This variant is reported in 0.0018% of alleles in individuals of European (Non-Finnish) descent in gnomAD. At this time, the clinical significance of this variant is uncertain due to the absence of conclusive functional and genetic evidence.

Labcorp Genetics (formerly Invitae), Labcorp
Classification: Uncertain significance. Last evaluated: 2022-04-18. Review status: criteria provided, single submitter. Criteria: Invitae Variant Classification Sherloc (09022015). Collection method: clinical testing. Allele origin: germline.
Comment: This sequence change replaces aspartic acid, which is acidic and polar, with valine, which is neutral and non-polar, at codon 648 of the AEBP1 protein (p.Asp648Val). This variant is present in population databases (rs747074102, gnomAD 0.002%). This variant has not been reported in the literature in individuals affected with AEBP1-related conditions. Algorithms developed to predict the effect of missense changes on protein structure and function (SIFT, PolyPhen-2, Align-GVGD) all suggest that this variant is likely to be disruptive. In summary, the available evidence is currently insufficient to determine the role of this variant in disease. Therefore, it has been classified as a Variant of Uncertain Significance.

NM_001129.5(AEBP1):c.1943A>T (p.Asp648Val)

Gene: AEBP1 (AE binding protein 1; plus strand). Cytogenetic location: 7p13.
Variant type: single nucleotide variant.
Coding change: c.1943A>T on transcript NM_001129.5 (MANE Select); coding-DNA position 1943, A replaced by T.
Protein change: p.Asp648Val; replaces aspartic acid 648 with valine.
Molecular consequence: missense variant.
Genome position (GRCh38, 1-based): chr7:44,111,956, A>T. VCF-style: chr7-44111956-A-T. GRCh37 (hg19) VCF-style: chr7-44151555-A-T.
Other names: c.1943A>T (NM_001129.4); short protein forms D648V.
Identifiers: ClinVar variation 2059970 (VCV002059970.3), dbSNP rs747074102, ClinGen allele CA4238061.
Genomic context (GRCh38, chr7:44,111,956, plus strand): 5'-AGGTGCTGGGCCGAGAGCTGTTGCTGCTGCTCATGCAGTACCTGTGCCGAGAGTACCGCG[A>T]TGGGAACCCACGTGTGCGCAGCCTGGTGCAGGACACACGCATCCACCTGGTGCCCTCACT-3'
Protein context (NP_001120.3, residues 638-658): LMQYLCREYR[Asp648Val]GNPRVRSLVQ